The following is an entry in ClinVar:

NM_000391.4(TPP1):c.609dup (p.Val204fs)

Gene: TPP1 (tripeptidyl peptidase 1; minus strand). Cytogenetic location: 11p15.4.
Variant type: Duplication.
Coding change: c.609dup on transcript NM_000391.4 (MANE Select); coding-DNA position 609, one base duplicated (T; older notation c.609dupT).
Protein change: p.Val204fs; shifts the reading frame from valine 204.
Molecular consequence: frameshift variant.
Genome position (GRCh38, 1-based): chr11:6,617,053, A duplicated on the plus strand (T on the coding strand, the reverse complement: TPP1 is on the minus strand). VCF-style (leftmost placement, unchanged base first): chr11-6617052-C-CA. GRCh37 (hg19) VCF-style: chr11-6638283-C-CA.
Other names: short protein forms V204fs.
Identifiers: ClinVar variation 370272 (VCV000370272.8), dbSNP rs1057516366, ClinGen allele CA16041516.

ClinVar aggregate classification (germline): Pathogenic. Review status: criteria provided, single submitter (1 of 4 stars). 2 submissions from 2 submitters: Pathogenic (1). 1 of the submissions does not count toward it. Last evaluated 2022-10-03.

Conditions:
Neuronal ceroid lipofuscinosis 2. Also called: TPP1-Related Neuronal Ceroid-Lipofuscinosis; JANSKY-BIELSCHOWSKY DISEASE NEURONAL CEROID LIPOFUSCINOSIS, LATE INFANTILE. Identifiers: Orphanet 168491, Orphanet 228349, Orphanet 79264, MedGen C1876161, MONDO:0008769, OMIM 204500.

Submissions (2):

Labcorp Genetics (formerly Invitae), Labcorp
Classification: Pathogenic. Last evaluated: 2022-10-03. Review status: criteria provided, single submitter. Criteria: Invitae Variant Classification Sherloc (09022015). Collection method: clinical testing. Allele origin: germline.
Comment: For these reasons, this variant has been classified as Pathogenic. ClinVar contains an entry for this variant (Variation ID: 370272). This premature translational stop signal has been observed in individual(s) with clinical features of neuronal ceroid lipofuscinosis (PMID: 32005694). This variant is not present in population databases (gnomAD no frequency). This sequence change creates a premature translational stop signal (p.Val204Cysfs*4) in the TPP1 gene. It is expected to result in an absent or disrupted protein product. Loss-of-function variants in TPP1 are known to be pathogenic (PMID: 10330339).

Counsyl
Classification: Likely pathogenic for Neuronal ceroid lipofuscinosis 2. Last evaluated: 2015-12-30. Review status: no assertion criteria provided. Collection method: clinical testing. Allele origin: unknown. Not counted in ClinVar's aggregate classification.

Literature cited by the submitters: PubMed 32005694 (cited by Labcorp Genetics (formerly Invitae), Labcorp); PubMed 10330339 (cited by Labcorp Genetics (formerly Invitae), Labcorp).